The following is an entry in ClinVar:

NM_001367561.1(DOCK7):c.4405G>A (p.Ala1469Thr)

Gene: DOCK7 (dedicator of cytokinesis 7; minus strand). Cytogenetic location: 1p31.3.
Variant type: single nucleotide variant.
Coding change: c.4405G>A on transcript NM_001367561.1 (MANE Select); coding-DNA position 4405, G replaced by A.
Protein change: p.Ala1469Thr; replaces alanine 1469 with threonine.
Molecular consequence: missense variant.
Genome position (GRCh38, 1-based): chr1:62,508,033, C>T on the plus strand (G>A on the coding strand, the complement: DOCK7 is on the minus strand). VCF-style: chr1-62508033-C-T. GRCh37 (hg19) VCF-style: chr1-62973704-C-T.
Other names: c.4378G>A, p.Ala1460Thr (NM_001271999.2, NM_001330614.2); c.4285G>A, p.Ala1429Thr (NM_001272000.2, NM_001272001.2); c.4312G>A, p.Ala1438Thr (NM_033407.4); short protein forms A1429T, A1438T, A1469T, A1460T.
Identifiers: ClinVar variation 1461897 (VCV001461897.8), dbSNP rs2149328093, ClinGen allele CA340621617.

ClinVar aggregate classification (germline): Uncertain significance (1 of 4 stars; one submission).

Conditions:
Developmental and epileptic encephalopathy, 23 (DEE23). Also called: Epileptic encephalopathy, early infantile, 23. Identifiers: Orphanet 411986, MedGen C4014492, MONDO:0014371, OMIM 615859.

Submission:

Labcorp Genetics (formerly Invitae), Labcorp
Classification: Uncertain significance for Developmental and epileptic encephalopathy, 23. Last evaluated: 2022-01-13. Review status: criteria provided, single submitter. Criteria: Invitae Variant Classification Sherloc (09022015). Collection method: clinical testing. Allele origin: germline.
Comment: This sequence change replaces alanine, which is neutral and non-polar, with threonine, which is neutral and polar, at codon 1460 of the DOCK7 protein (p.Ala1460Thr). This variant is not present in population databases (gnomAD no frequency). This variant has not been reported in the literature in individuals affected with DOCK7-related conditions. Algorithms developed to predict the effect of missense changes on protein structure and function (SIFT, PolyPhen-2, Align-GVGD) all suggest that this variant is likely to be tolerated. In summary, the available evidence is currently insufficient to determine the role of this variant in disease. Therefore, it has been classified as a Variant of Uncertain Significance.